The following is an entry in ClinVar:

ClinVar aggregate classification (germline): Conflicting classifications of pathogenicity. Review status: criteria provided, conflicting classifications (1 of 4 stars). 2 submissions from 2 submitters: Likely pathogenic (1); Uncertain significance (1). Last evaluated 2026-03-17.

Conditions:
Autosomal recessive nonsyndromic hearing loss 63. Identifiers: Orphanet 90636, MedGen C1969621, MONDO:0012670, OMIM 611451.

Submissions (2):

Genomics, Clalit Research Institute, Clalit Health Care
Classification: Likely pathogenic for Autosomal recessive nonsyndromic hearing loss 63. Last evaluated: 2026-03-17. Review status: criteria provided, single submitter. Criteria: ACMG Guidelines, 2015. Collection method: clinical testing. Allele origin: germline. Inheritance: Autosomal recessive inheritance. Affected: yes. Observed: 1 variant allele, 1 homozygote.
Comment: Inheritance: The variant was identified in the homozygous state in the sample. Frequency: The variant is very rare, absent from the gnomAD reference population dataset. Allelic data: This variant was previously reported in at least 3 internal cases in homozygous state in individuals from Bukharan Jewish origin with hearing impairment. Prediction tools: SpliceAI predict a deleterious effect on the gene or gene product (spliceAI 0.57 Strong); while Revel yield conflicting predictions of the impact of the variant on the gene or gene product (Revel 0.6). Notice: This variant is located within the LRTOMT transcript (ENST00000307198.11; NM_001145308.5), which also includes the TOMT gene with its own relevant transcript (ENST00000541899.3_6; NM_001393500.2)

Laboratory for Molecular Medicine, Mass General Brigham Personalized Medicine
Classification: Uncertain significance. Last evaluated: 2015-03-31. Review status: criteria provided, single submitter. Criteria: LMM Criteria. Collection method: clinical testing. Allele origin: germline. Observed: 3 variant alleles.
Comment: The p.His55Gln variant in LRTOMT has not been reported in any individual with he aring loss or in large population studies. Computational prediction tools and co nservation analysis do not provide strong support for or against an impact to th e protein. In summary, the clinical significance of the p.His55Gln variant is un certain.

NM_001145308.5(LRTOMT):c.165C>G (p.His55Gln)

Genes: LRTOMT (leucine rich transmembrane and O-methyltransferase domain containing; plus strand), TOMT (transmembrane O-methyltransferase; plus strand). Cytogenetic location: 11q13.4.
Variant type: single nucleotide variant.
Coding change: c.165C>G on transcript NM_001145308.5; coding-DNA position 165, C replaced by G.
Protein change: p.His55Gln; replaces histidine 55 with glutamine.
Molecular consequence: missense variant. On other transcripts: intron variant (1).
Genome position (GRCh38, 1-based): chr11:72,106,017, C>G. VCF-style: chr11-72106017-C-G. GRCh37 (hg19) VCF-style: chr11-71817063-C-G.
Other names: c.66C>G, p.His22Gln (NM_001393500.2); c.165C>G, p.His55Gln (NM_001145309.4); c.84-39C>G (NM_001145310.4); short protein forms H55Q, H22Q.
Identifiers: ClinVar variation 163941 (VCV000163941.4), dbSNP rs727503152, ClinGen allele CA176672.